The following is an entry in ClinVar:

ClinVar aggregate classification (germline): Likely benign. Review status: criteria provided, multiple submitters, no conflicts (2 of 4 stars). 2 submissions from 2 submitters: Likely benign (2). Last evaluated 2018-06-16.

Allele frequency attached by ClinVar (database versions not stated): gnomAD 0.01589 and 0.01661; TOPMed 0.01606; gnomAD exomes 0.02283; 1000 Genomes Project 0.00639; 1000 Genomes Project 30x 0.00656.
gnomAD v4.1: 34,422 of 1,569,748 alleles (2.2%); highest among the groups gnomAD compares: Non-Finnish European, 2.8%; 529 homozygotes.

Submissions (2):

GeneDx
Classification: Likely benign. Last evaluated: 2018-06-16. Review status: criteria provided, single submitter. Criteria: GeneDx Variant Classification (06012015). Collection method: clinical testing. Allele origin: germline. Affected: yes.
Comment: This variant is considered likely benign or benign based on one or more of the following criteria: it is a conservative change, it occurs at a poorly conserved position in the protein, it is predicted to be benign by multiple in silico algorithms, and/or has population frequency not consistent with disease.

Breakthrough Genomics
Classification: Likely benign. Review status: criteria provided, single submitter. Criteria: ACMG Guidelines, 2015. Collection method: not provided. Allele origin: germline. Inheritance: Autosomal recessive inheritance. Affected: yes.

NM_001286445.3(RIPOR2):c.885+73G>A

Gene: RIPOR2 (RHO family interacting cell polarization regulator 2; minus strand). Cytogenetic location: 6p22.3.
Variant type: single nucleotide variant.
Coding change: c.885+73G>A on transcript NM_001286445.3 (MANE Select); 73 bases into the intron after coding-DNA position 885, G replaced by A.
Molecular consequence: intron variant.
Genome position (GRCh38, 1-based): chr6:24,850,524, C>T on the plus strand (G>A on the coding strand, the complement: RIPOR2 is on the minus strand). VCF-style: chr6-24850524-C-T. GRCh37 (hg19) VCF-style: chr6-24850752-C-T.
Other names: c.798+73G>A (NM_001346031.2, NM_014722.5, NM_001346032.2 and 2 more transcripts); c.900+73G>A (NM_001286446.3).
Identifiers: ClinVar variation 682983 (VCV000682983.2), dbSNP rs114950400, ClinGen allele CA136181612.